The following is an entry in ClinVar:

NM_000536.4(RAG2):c.1096C>G (p.Gln366Glu)

Gene: RAG2 (recombination activating 2; minus strand). Cytogenetic location: 11p12.
Variant type: single nucleotide variant.
Coding change: c.1096C>G on transcript NM_000536.4 (MANE Select); coding-DNA position 1096, C replaced by G.
Protein change: p.Gln366Glu; replaces glutamine 366 with glutamic acid.
Molecular consequence: missense variant.
Genome position (GRCh38, 1-based): chr11:36,593,073, G>C on the plus strand (C>G on the coding strand, the complement: RAG2 is on the minus strand). VCF-style: chr11-36593073-G-C. GRCh37 (hg19) VCF-style: chr11-36614623-G-C.
Other names: c.1096C>G, p.Gln366Glu (NM_001243785.2, NM_001243786.2); short protein forms Q366E.
Identifiers: ClinVar variation 1979062 (VCV001979062.1), dbSNP rs2494790440, ClinGen allele CA380141127.

ClinVar aggregate classification (germline): Uncertain significance (1 of 4 stars; one submission).

Conditions:
Combined immunodeficiency with skin granulomas. Identifiers: Orphanet 157949, MedGen C2673536, MONDO:0009306, OMIM 233650.
Severe combined immunodeficiency, autosomal recessive, T cell-negative, B cell-negative, NK cell-positive. Also called: Severe combined immunodeficiency due to complete RAG1/2 deficiency; SCID, T CELL-NEGATIVE, B CELL-NEGATIVE, NK CELL-POSITIVE; SCID, AR, T-cell negative, B-cell negative, NK cell-positive. Identifiers: Orphanet 331206, MedGen C1832322, MONDO:0011086, OMIM 601457.

Submission:

Labcorp Genetics (formerly Invitae), Labcorp
Classification: Uncertain significance for Combined immunodeficiency with skin granulomas; Severe combined immunodeficiency, autosomal recessive, T cell-negative, B cell-negative, NK cell-positive. Last evaluated: 2022-01-17. Review status: criteria provided, single submitter. Criteria: Invitae Variant Classification Sherloc (09022015). Collection method: clinical testing. Allele origin: germline.
Comment: This sequence change replaces glutamine, which is neutral and polar, with glutamic acid, which is acidic and polar, at codon 366 of the RAG2 protein (p.Gln366Glu). This variant is not present in population databases (gnomAD no frequency). This variant has not been reported in the literature in individuals affected with RAG2-related conditions. Advanced modeling of protein sequence and biophysical properties (such as structural, functional, and spatial information, amino acid conservation, physicochemical variation, residue mobility, and thermodynamic stability) performed at Invitae indicates that this missense variant is expected to disrupt RAG2 protein function. In summary, the available evidence is currently insufficient to determine the role of this variant in disease. Therefore, it has been classified as a Variant of Uncertain Significance.